The following is an entry in ClinVar:

NM_032608.7(MYO18B):c.597T>C (p.Pro199=)

Gene: MYO18B (myosin XVIIIB; plus strand). Cytogenetic location: 22q12.1.
Variant type: single nucleotide variant.
Coding change: c.597T>C on transcript NM_032608.7 (MANE Select); coding-DNA position 597, T replaced by C.
Protein change: p.Pro199=; no amino-acid change (proline 199 retained).
Molecular consequence: synonymous variant.
Genome position (GRCh38, 1-based): chr22:25,768,513, T>C. VCF-style: chr22-25768513-T-C. GRCh37 (hg19) VCF-style: chr22-26164480-T-C.
Other names: c.597T>C, p.Pro199= (NM_001318245.2); c.597T>C (NM_032608.6).
Identifiers: ClinVar variation 1650398 (VCV001650398.9), dbSNP rs760762845, ClinGen allele CA10159653.

ClinVar aggregate classification (germline): Likely benign. Review status: criteria provided, multiple submitters, no conflicts (2 of 4 stars). 2 submissions from 2 submitters: Likely benign (2). Last evaluated 2026-04-29.

Conditions:
MYO18B-related disorder. Also called: MYO18B-related condition.

Allele frequency attached by ClinVar (database versions not stated): gnomAD 0.00004; TOPMed 0.00004; gnomAD exomes 0.00005 and 0.00007; ExAC 0.00006.
gnomAD v4.1: 107 of 1,583,990 alleles (0.0068%); highest among the groups gnomAD compares: Non-Finnish European, 0.0087%; no homozygotes.

Submissions (2):

PreventionGenetics, part of Exact Sciences
Classification: Likely benign for MYO18B-related condition. Last evaluated: 2026-04-29. Review status: criteria provided, single submitter. Criteria: ACMG Guidelines, 2015. Collection method: clinical testing. Allele origin: germline.
Comment: This variant is classified as likely benign based on ACMG/AMP sequence variant interpretation guidelines (Richards et al. 2015 PMID: 25741868, with internal and published modifications).

Labcorp Genetics (formerly Invitae), Labcorp
Classification: Likely benign. Last evaluated: 2026-01-08. Review status: criteria provided, single submitter. Criteria: Invitae Variant Classification Sherloc (09022015). Collection method: clinical testing. Allele origin: germline.